The following is an entry in ClinVar:

ClinVar aggregate classification (germline): Likely benign. Review status: criteria provided, multiple submitters, no conflicts (2 of 4 stars). 4 submissions from 4 submitters: Likely benign (4). Last evaluated 2025-12-11.

Conditions:
Cardiovascular phenotype. Identifiers: MedGen CN230736.
Dilated cardiomyopathy 1R (CMD1R). Identifiers: Orphanet 154, Orphanet 54260, MedGen C3150681, MONDO:0013261, OMIM 613424.
Hypertrophic cardiomyopathy 11. Also called: ACTC1-Related Familial Hypertrophic Cardiomyopathy. Identifiers: MedGen C2677506, MONDO:0012799, OMIM 612098.
Atrial septal defect 5 (ASD5). Identifiers: Orphanet 1478, MedGen C2748552, MONDO:0013011, OMIM 612794.
Cardiomyopathy (CMYO). Also called: Cardiomyopathies. Identifiers: Orphanet 167848, MedGen C0878544, MONDO:0004994, HP:0001638. Inheritance: Various modes of inheritance.
Hypertrophic cardiomyopathy. Also called: HYPERTROPHIC MYOCARDIOPATHY. Identifiers: Orphanet 217569, MedGen C0007194, MeSH D002312, MONDO:0005045, HP:0001639.

Allele frequency attached by ClinVar (database versions not stated): gnomAD exomes below 0.00001; TOPMed below 0.00001; gnomAD 0.00001.
gnomAD v4.1: 3 of 1,614,014 alleles (0.00019%); no homozygotes.

Submissions (4):

Ambry Genetics
Classification: Likely benign for Cardiovascular phenotype. Last evaluated: 2025-12-11. Review status: criteria provided, single submitter. Criteria: Ambry Variant Classification Scheme 2023. Collection method: clinical testing. Allele origin: germline.

All of Us Research Program, National Institutes of Health
Classification: Likely benign for Hypertrophic cardiomyopathy. Last evaluated: 2024-09-23. Review status: criteria provided, single submitter. Criteria: ACMG Guidelines, 2015. Collection method: clinical testing. Allele origin: germline. Inheritance: Autosomal dominant inheritance. Observed: 1 variant allele, 1 heterozygote.
Comment: This study involves interpretation of variants in research participants for the purpose of population health screening. Participant phenotype was not available at the time of variant classification. Additional details can be found in publication PMID: 35346344, PMCID: PMC8962531

Labcorp Genetics (formerly Invitae), Labcorp
Classification: Likely benign for Dilated cardiomyopathy 1R; Hypertrophic cardiomyopathy 11; Atrial septal defect 5. Last evaluated: 2023-03-12. Review status: criteria provided, single submitter. Criteria: Invitae Variant Classification Sherloc (09022015). Collection method: clinical testing. Allele origin: germline.

Color Diagnostics, LLC DBA Color Health
Classification: Likely benign for Cardiomyopathy. Last evaluated: 2020-01-14. Review status: criteria provided, single submitter. Criteria: ACMG Guidelines, 2015. Collection method: clinical testing. Allele origin: germline.

NM_005159.5(ACTC1):c.352C>A (p.Arg118=)

Genes: ACTC1 (actin alpha cardiac muscle 1; minus strand), GJD2-DT (GJD2 divergent transcript; plus strand). Cytogenetic location: 15q14.
Variant type: single nucleotide variant.
Coding change: c.352C>A on transcript NM_005159.5 (MANE Select); coding-DNA position 352, C replaced by A.
Protein change: p.Arg118=; no amino-acid change (arginine 118 retained).
Molecular consequence: synonymous variant.
Genome position (GRCh38, 1-based): chr15:34,793,347, G>T on the plus strand (C>A on the coding strand, the complement: ACTC1 is on the minus strand). VCF-style: chr15-34793347-G-T. GRCh37 (hg19) VCF-style: chr15-35085548-G-T.
Identifiers: ClinVar variation 928114 (VCV000928114.8), dbSNP rs1159252460, ClinGen allele CA489655718.
Genomic context (GRCh38, chr15:34,793,347, plus strand): 5'-TGGCCACGTACATGGCAGGGACATTGAAGGTCTCAAACATGATCTGAGTCATCTTCTCCC[G>T]GTTGGCCTTGGGGTTCAGCGGGGCCTCTGTGAGCAGGGTGGGGTGCTCCTCGGGAGCCAC-3'
Protein context (NP_005150.1, residues 108-128): TEAPLNPKAN[Arg118=]EKMTQIMFET